The following is an entry in ClinVar:

ClinVar aggregate classification (germline): Uncertain significance (1 of 4 stars; one submission).

Conditions:
Myopathy, proximal, and ophthalmoplegia (CMYO6). Also called: MYOPATHY WITH CONGENITAL JOINT CONTRACTURES, OPHTHALMOPLEGIA, AND RIMMED VACUOLES; INCLUSION BODY MYOPATHY 3, AUTOSOMAL DOMINANT; CONGENITAL MYOPATHY 6 WITH OPHTHALMOPLEGIA. Identifiers: Orphanet 363677, Orphanet 79091, MedGen C1854106, MONDO:0011577, OMIM 605637.

Submission:

Labcorp Genetics (formerly Invitae), Labcorp
Classification: Uncertain significance for Myopathy, proximal, and ophthalmoplegia. Last evaluated: 2020-05-04. Review status: criteria provided, single submitter. Criteria: Invitae Variant Classification Sherloc (09022015). Collection method: clinical testing. Allele origin: germline.
Comment: This sequence change replaces proline with arginine at codon 228 of the MYH2 protein (p.Pro228Arg). The proline residue is highly conserved and there is a moderate physicochemical difference between proline and arginine. This variant is not present in population databases (ExAC no frequency). This variant has not been reported in the literature in individuals with MYH2-related conditions. Algorithms developed to predict the effect of missense changes on protein structure and function (SIFT, PolyPhen-2, Align-GVGD) all suggest that this variant is likely to be disruptive, but these predictions have not been confirmed by published functional studies and their clinical significance is uncertain. In summary, the available evidence is currently insufficient to determine the role of this variant in disease. Therefore, it has been classified as a Variant of Uncertain Significance.

NM_017534.6(MYH2):c.683C>G (p.Pro228Arg)

Genes: MYHAS (myosin heavy chain gene cluster antisense RNA; plus strand), MYH2 (myosin heavy chain 2; minus strand), LOC126862501 (CDK7 strongly-dependent group 2 enhancer GRCh37_chr17:10446256-10447455; plus strand). Cytogenetic location: 17p13.1.
Variant type: single nucleotide variant.
Coding change: c.683C>G on transcript NM_017534.6 (MANE Select); coding-DNA position 683, C replaced by G.
Protein change: p.Pro228Arg; replaces proline 228 with arginine.
Molecular consequence: missense variant.
Genome position (GRCh38, 1-based): chr17:10,543,769, G>C on the plus strand (C>G on the coding strand, the complement: MYH2 is on the minus strand). VCF-style: chr17-10543769-G-C. GRCh37 (hg19) VCF-style: chr17-10447086-G-C.
Other names: c.683C>G, p.Pro228Arg (NM_001100112.2); short protein forms P228R.
Identifiers: ClinVar variation 1014154 (VCV001014154.1), dbSNP rs1389727909, ClinGen allele CA398168760.